The following is an entry in ClinVar:

NM_213655.5(WNK1):c.2146C>T (p.Arg716Cys)

Gene: WNK1 (WNK lysine deficient protein kinase 1; plus strand). Cytogenetic location: 12p13.33.
Variant type: single nucleotide variant.
Coding change: c.2146C>T on transcript NM_213655.5 (MANE Plus Clinical); coding-DNA position 2146, C replaced by T.
Protein change: p.Arg716Cys; replaces arginine 716 with cysteine.
Molecular consequence: missense variant. On other transcripts: intron variant (3).
Genome position (GRCh38, 1-based): chr12:865,116, C>T. VCF-style: chr12-865116-C-T. GRCh37 (hg19) VCF-style: chr12-974282-C-T.
Other names: c.2140-2750C>T (NM_001184985.2); c.2139+2846C>T (NM_018979.4, NM_014823.3); short protein forms R716C.
Identifiers: ClinVar variation 664425 (VCV000664425.10), dbSNP rs140331977, ClinGen allele CA6382122.

ClinVar aggregate classification (germline): Uncertain significance. Review status: criteria provided, multiple submitters, no conflicts (2 of 4 stars). 3 submissions from 3 submitters: Uncertain significance (3). Last evaluated 2025-10-03.

Conditions:
Pseudohypoaldosteronism type 2C (PHA2C). Also called: Pseudohypoaldosteronism Type IIC. Identifiers: Orphanet 757, Orphanet 88940, MedGen C1840391, MONDO:0013778, OMIM 614492.
Neuropathy, hereditary sensory and autonomic, type 2A (HSAN2A). Also called: ACROOSTEOLYSIS, GIACCAI TYPE; ACROOSTEOLYSIS, NEUROGENIC; HSAN IIA; WNK1-Related HSAN2 (HSAN2A); MORVAN DISEASE; NEUROPATHY, CONGENITAL SENSORY. Identifiers: Orphanet 970, MedGen C2752089, MONDO:0024309, OMIM 201300.
Inborn genetic diseases. Identifiers: MedGen C0950123, MeSH D030342.

Allele frequency attached by ClinVar (database versions not stated): ExAC 0.00018; 1000 Genomes Project 30x 0.00031; gnomAD exomes 0.00008 and 0.00009; gnomAD 0.00009; TOPMed 0.00009; 1000 Genomes Project 0.00040.
gnomAD v4.1: 130 of 1,514,502 alleles (0.0086%); highest among the groups gnomAD compares: Non-Finnish European, 0.0094%; no homozygotes.

Submissions (3):

Labcorp Genetics (formerly Invitae), Labcorp
Classification: Uncertain significance for Neuropathy, hereditary sensory and autonomic, type 2A; Pseudohypoaldosteronism type 2C. Last evaluated: 2025-10-03. Review status: criteria provided, single submitter. Criteria: Invitae Variant Classification Sherloc (09022015). Collection method: clinical testing. Allele origin: germline.
Comment: This sequence change replaces arginine, which is basic and polar, with cysteine, which is neutral and slightly polar, at codon 716 of the WNK1 protein (p.Arg716Cys). This variant is present in population databases (rs140331977, gnomAD 0.02%). This variant has not been reported in the literature in individuals affected with WNK1-related conditions. ClinVar contains an entry for this variant (Variation ID: 664425). Invitae Evidence Modeling of protein sequence and biophysical properties (such as structural, functional, and spatial information, amino acid conservation, physicochemical variation, residue mobility, and thermodynamic stability) indicates that this missense variant is not expected to disrupt WNK1 protein function with a negative predictive value of 95%. In summary, the available evidence is currently insufficient to determine the role of this variant in disease. Therefore, it has been classified as a Variant of Uncertain Significance.

Ambry Genetics
Classification: Uncertain significance for Inborn genetic diseases. Last evaluated: 2022-06-13. Review status: criteria provided, single submitter. Criteria: Ambry Variant Classification Scheme 2023. Collection method: clinical testing. Allele origin: germline.
Comment: The p.R716C variant (also known as c.2146C>T), located in coding exon 9 of the WNK1 gene, results from a C to T substitution at nucleotide position 2146. The arginine at codon 716 is replaced by cysteine, an amino acid with highly dissimilar properties. This amino acid position is highly conserved in available vertebrate species. In addition, the in silico prediction for this alteration is inconclusive. Since supporting evidence is limited at this time, the clinical significance of this alteration remains unclear.

Fulgent Genetics
Classification: Uncertain significance for Neuropathy, hereditary sensory and autonomic, type 2A; Pseudohypoaldosteronism type 2C. Last evaluated: 2022-05-19. Review status: criteria provided, single submitter. Criteria: ACMG Guidelines, 2015. Collection method: clinical testing. Allele origin: unknown.